The following is an entry in ClinVar:

NM_002439.5(MSH3):c.3247T>G (p.Leu1083Val)

Gene: MSH3 (mutS homolog 3; plus strand). Cytogenetic location: 5q14.1.
Variant type: single nucleotide variant.
Coding change: c.3247T>G on transcript NM_002439.5 (MANE Select); coding-DNA position 3247, T replaced by G.
Protein change: p.Leu1083Val; replaces leucine 1083 with valine.
Molecular consequence: missense variant.
Genome position (GRCh38, 1-based): chr5:80,873,232, T>G. VCF-style: chr5-80873232-T-G. GRCh37 (hg19) VCF-style: chr5-80169051-T-G.
Other names: c.3247T>G (NM_002439.3); short protein forms L1083V.
Identifiers: ClinVar variation 1497622 (VCV001497622.9), dbSNP rs2112128863, ClinGen allele CA360347020.

ClinVar aggregate classification (germline): Uncertain significance. Review status: criteria provided, multiple submitters, no conflicts (2 of 4 stars). 2 submissions from 2 submitters: Uncertain significance (2). Last evaluated 2026-04-02.

Conditions:
Hereditary cancer-predisposing syndrome. Also called: Tumor predisposition; Neoplastic Syndromes, Hereditary; Hereditary Cancer Syndrome; Hereditary neoplastic syndrome. Identifiers: Orphanet 140162, MedGen C0027672, MeSH D009386, MONDO:0015356.

Submissions (2):

Ambry Genetics
Classification: Uncertain significance for Hereditary cancer-predisposing syndrome. Last evaluated: 2026-04-02. Review status: criteria provided, single submitter. Criteria: Ambry Variant Classification Scheme 2023. Collection method: clinical testing. Allele origin: germline.
Comment: The p.L1083V variant (also known as c.3247T>G), located in coding exon 23 of the MSH3 gene, results from a T to G substitution at nucleotide position 3247. The leucine at codon 1083 is replaced by valine, an amino acid with highly similar properties. This amino acid position is conserved. In addition, the in silico prediction for this alteration is inconclusive. Based on the available evidence, the clinical significance of this variant remains unclear.

Labcorp Genetics (formerly Invitae), Labcorp
Classification: Uncertain significance. Last evaluated: 2024-01-07. Review status: criteria provided, single submitter. Criteria: Invitae Variant Classification Sherloc (09022015). Collection method: clinical testing. Allele origin: germline.
Comment: This sequence change replaces leucine, which is neutral and non-polar, with valine, which is neutral and non-polar, at codon 1083 of the MSH3 protein (p.Leu1083Val). This variant is not present in population databases (gnomAD no frequency). This variant has not been reported in the literature in individuals affected with MSH3-related conditions. ClinVar contains an entry for this variant (Variation ID: 1497622). An algorithm developed to predict the effect of missense changes on protein structure and function (PolyPhen-2) suggests that this variant is likely to be disruptive. In summary, the available evidence is currently insufficient to determine the role of this variant in disease. Therefore, it has been classified as a Variant of Uncertain Significance.